The following is an entry in ClinVar:

ClinVar aggregate classification (germline): Likely pathogenic. Review status: criteria provided, multiple submitters, no conflicts (2 of 4 stars). 2 submissions from 2 submitters: Likely pathogenic (2). Last evaluated 2025-08-09.

Conditions:
Ehlers-Danlos syndrome, type 4 (EDSVASC). Also called: Ehlers-Danlos syndrome vascular type; Ehlers Danlos syndrome, ecchymotic type; Ehlers Danlos syndrome, arterial type; Ehlers Danlos syndrome, Sack-Barabas type; Ehlers-Danlos Syndrome Type IV. Identifiers: Orphanet 286, MedGen C0268338, MONDO:0017314, OMIM 130050.

Submissions (2):

Dasa
Classification: Likely pathogenic. Last evaluated: 2025-08-09. Review status: criteria provided, single submitter. Criteria: DASA Assertion Criteria. Collection method: clinical testing. Allele origin: germline.
Comment: NM_000090.4(COL3A1):c.2797G>A (p.Gly933Arg) is a missense variant that results in the substitution of glycine with arginine. The affected residue or protein region has prior evidence supporting clinical relevance. This variant has been reported in individuals with COL3A1-related disorders (PMID: 22019127). Also, this variant is absent from population databases. Based on the currently available evidence, this variant is classified as likely pathogenic.

Labcorp Genetics (formerly Invitae), Labcorp
Classification: Likely pathogenic for Ehlers-Danlos syndrome, type 4. Last evaluated: 2019-11-02. Review status: criteria provided, single submitter. Criteria: Invitae Variant Classification Sherloc (09022015). Collection method: clinical testing. Allele origin: germline.
Comment: This sequence change replaces glycine with arginine at codon 933 of the COL3A1 protein (p.Gly933Arg). The glycine residue is moderately conserved and there is a moderate physicochemical difference between glycine and arginine. This variant is not present in population databases (ExAC no frequency). This variant has been observed in an individual affected with Ehlers-Danlos syndrome (PMID: 22019127). Algorithms developed to predict the effect of missense changes on protein structure and function are either unavailable or do not agree on the potential impact of this missense change (SIFT: "Deleterious"; PolyPhen-2: "Probably Damaging"; Align-GVGD: "Class C0"). Glycine residues within the Gly-Xaa-Yaa repeats of the triple helix domain are required for the structure and stability of fibrillar collagens (PMID: 7695699, 8218237, 19344236). In COL3A1, variants that affect these glycine residues are significantly enriched in individuals with disease (PMID: 24922459, 25758994) compared to the general population (ExAC). In summary, the currently available evidence indicates that the variant is pathogenic, but additional data are needed to prove that conclusively. Therefore, this variant has been classified as Likely Pathogenic.

Literature cited by the submitters: PubMed 22019127 (cited by Dasa and Labcorp Genetics (formerly Invitae), Labcorp); PubMed 7695699 (cited by Labcorp Genetics (formerly Invitae), Labcorp); PubMed 8218237 (cited by Labcorp Genetics (formerly Invitae), Labcorp); PubMed 19344236 (cited by Labcorp Genetics (formerly Invitae), Labcorp); PubMed 24922459 (cited by Labcorp Genetics (formerly Invitae), Labcorp); PubMed 25758994 (cited by Labcorp Genetics (formerly Invitae), Labcorp).

NM_000090.4(COL3A1):c.2797G>A (p.Gly933Arg)

Gene: COL3A1 (collagen type III alpha 1 chain; plus strand). Cytogenetic location: 2q32.2.
Variant type: single nucleotide variant.
Coding change: c.2797G>A on transcript NM_000090.4 (MANE Select); coding-DNA position 2797, G replaced by A.
Protein change: p.Gly933Arg; replaces glycine 933 with arginine.
Molecular consequence: missense variant.
Genome position (GRCh38, 1-based): chr2:189,004,117, G>A. VCF-style: chr2-189004117-G-A. GRCh37 (hg19) VCF-style: chr2-189868843-G-A.
Other names: short protein forms G933R.
Identifiers: ClinVar variation 959782 (VCV000959782.12), dbSNP rs1688532582, ClinGen allele CA349844225.